The following is an entry in ClinVar:

NM_170601.5(SIAE):c.1552C>T (p.Gln518Ter)

Gene: SIAE (sialic acid acetylesterase; minus strand). Cytogenetic location: 11q24.2.
Variant type: single nucleotide variant.
Coding change: c.1552C>T on transcript NM_170601.5 (MANE Select); coding-DNA position 1552, C replaced by T.
Protein change: p.Gln518Ter; replaces glutamine 518 with a stop codon.
Molecular consequence: nonsense.
Genome position (GRCh38, 1-based): chr11:124,636,971, G>A on the plus strand (C>T on the coding strand, the complement: SIAE is on the minus strand). VCF-style: chr11-124636971-G-A. GRCh37 (hg19) VCF-style: chr11-124506867-G-A.
Other names: c.1447C>T, p.Gln483Ter (NM_001199922.2); short protein forms Q518*, Q483*.
Identifiers: ClinVar variation 4697070 (VCV004697070.1).
Genomic context (GRCh38, chr11:124,636,971, plus strand): 5'-GACCCATCCTTATATCTAAGTTCTGATCATACTGAAACAGTCATTTAGCAACATTGCTCT[G>A]ATGTCCAGGACCCTGGTCTGTAATGAAAGCAATGAAGGGAGGGGCTGGCAGGGCACTACT-3'

ClinVar aggregate classification (germline): Uncertain significance (1 of 4 stars; one submission).

Submission:

Labcorp Genetics (formerly Invitae), Labcorp
Classification: Uncertain significance. Last evaluated: 2025-05-30. Review status: criteria provided, single submitter. Criteria: Invitae Variant Classification Sherloc (09022015). Collection method: clinical testing. Allele origin: germline.
Comment: This sequence change creates a premature translational stop signal (p.Gln518*) in the SIAE gene. While this is not anticipated to result in nonsense mediated decay, it is expected to disrupt the last 6 amino acid(s) of the SIAE protein. This variant is present in population databases (no rsID available, gnomAD 0.0009%). This variant has not been reported in the literature in individuals affected with SIAE-related conditions. Experimental studies and prediction algorithms are not available or were not evaluated, and the functional significance of this variant is currently unknown. In summary, the available evidence is currently insufficient to determine the role of this variant in disease. Therefore, it has been classified as a Variant of Uncertain Significance.